The following is an entry in ClinVar:

NM_003482.4(KMT2D):c.11631G>T (p.Gln3877His)

Gene: KMT2D (lysine methyltransferase 2D; minus strand). Cytogenetic location: 12q13.12.
Variant type: single nucleotide variant.
Coding change: c.11631G>T on transcript NM_003482.4 (MANE Select); coding-DNA position 11631, G replaced by T.
Protein change: p.Gln3877His; replaces glutamine 3877 with histidine.
Molecular consequence: missense variant.
Genome position (GRCh38, 1-based): chr12:49,033,074, C>A on the plus strand (G>T on the coding strand, the complement: KMT2D is on the minus strand). VCF-style: chr12-49033074-C-A. GRCh37 (hg19) VCF-style: chr12-49426857-C-A.
Other names: short protein forms Q3877H.
Identifiers: ClinVar variation 4982634 (VCV004982634.1).
Genomic context (GRCh38, chr12:49,033,074, plus strand): 5'-TAAAGAGCCCATGGGCTGAGCGCTCAGTTTGGGCTGCCCACTGTGTGACATCAGACTCTG[C>A]TGAAGATGGGACAGCCCTGCCATGGACCCTTGCTGTTGGTGCTGTTGTTGCTGCTGCTGC-3'
Protein context (NP_003473.3, residues 3867-3887): QGSMAGLSHL[Gln3877His]QSLMSHSGQP

ClinVar aggregate classification (germline): Uncertain significance (1 of 4 stars; one submission).

Conditions:
KMT2D-related disorder. Also called: KMT2D-Related Disorders.

gnomAD v4.1: 2 of 1,551,618 alleles (0.00013%); highest among the groups gnomAD compares: Non-Finnish European, 0.00017%; no homozygotes.

Submission:

PreventionGenetics, part of Exact Sciences
Classification: Uncertain significance for KMT2D-related condition. Last evaluated: 2025-01-23. Review status: criteria provided, single submitter. Criteria: ACMG Guidelines, 2015. Collection method: clinical testing. Allele origin: germline.
Comment: The KMT2D c.11631G>T variant is predicted to result in the amino acid substitution p.Gln3877His. To our knowledge, this variant has not been reported in the literature or in a large population database (gnomAD), indicating this variant is rare. At this time, the clinical significance of this variant is uncertain due to the absence of conclusive functional and genetic evidence.